The following is an entry in ClinVar:

ClinVar aggregate classification (germline): Uncertain significance (1 of 4 stars; one submission).

Conditions:
Very long chain acyl-CoA dehydrogenase deficiency (ACADVLD). Also called: Very Long-Chain Acyl-Coenzyme A Dehydrogenase Deficiency; VLCAD Deficiency. Identifiers: Orphanet 26793, MedGen C3887523, MONDO:0008723, OMIM 201475.

Submission:

Labcorp Genetics (formerly Invitae), Labcorp
Classification: Uncertain significance for Very long chain acyl-CoA dehydrogenase deficiency. Last evaluated: 2023-12-01. Review status: criteria provided, single submitter. Criteria: Invitae Variant Classification Sherloc (09022015). Collection method: clinical testing. Allele origin: germline.
Comment: This sequence change replaces glycine, which is neutral and non-polar, with alanine, which is neutral and non-polar, at codon 168 of the ACADVL protein (p.Gly168Ala). This variant is not present in population databases (gnomAD no frequency). This variant has not been reported in the literature in individuals affected with ACADVL-related conditions. Advanced modeling of protein sequence and biophysical properties (such as structural, functional, and spatial information, amino acid conservation, physicochemical variation, residue mobility, and thermodynamic stability) performed at Invitae indicates that this missense variant is expected to disrupt ACADVL protein function with a positive predictive value of 95%. In summary, the available evidence is currently insufficient to determine the role of this variant in disease. Therefore, it has been classified as a Variant of Uncertain Significance.

NM_000018.4(ACADVL):c.503G>C (p.Gly168Ala)

Gene: ACADVL (acyl-CoA dehydrogenase very long chain; plus strand). Cytogenetic location: 17p13.1.
Variant type: single nucleotide variant.
Coding change: c.503G>C on transcript NM_000018.4 (MANE Select); coding-DNA position 503, G replaced by C.
Protein change: p.Gly168Ala; replaces glycine 168 with alanine.
Molecular consequence: missense variant.
Genome position (GRCh38, 1-based): chr17:7,221,563, G>C. VCF-style: chr17-7221563-G-C. GRCh37 (hg19) VCF-style: chr17-7124882-G-C.
Other names: c.437G>C, p.Gly146Ala (NM_001033859.3); c.572G>C, p.Gly191Ala (NM_001270447.2); c.275G>C, p.Gly92Ala (NM_001270448.2); short protein forms G168A, G92A, G146A, G191A.
Identifiers: ClinVar variation 2800714 (VCV002800714.3), dbSNP rs2071227236, ClinGen allele CA397723046.